The following is an entry in ClinVar:

NM_000243.3(MEFV):c.1357-306del

Gene: MEFV (MEFV innate immunity regulator, pyrin; minus strand). Cytogenetic location: 16p13.3.
Variant type: Deletion.
Coding change: c.1357-306del on transcript NM_000243.3 (MANE Select); 306 bases into the intron before coding-DNA position 1357, one base deleted (T; older notation c.1357-306delT).
Molecular consequence: intron variant.
Genome position (GRCh38, 1-based): chr16:3,247,552, A deleted on the plus strand (T on the coding strand, the reverse complement: MEFV is on the minus strand); the first of 2 consecutive A bases (chr16:3,247,552-3,247,553); deleting either gives the same sequence. VCF-style (leftmost placement, unchanged base first): chr16-3247551-TA-T. GRCh37 (hg19) VCF-style: chr16-3297551-TA-T.
Other names: c.724-306del (NM_001198536.2).
Identifiers: ClinVar variation 667832 (VCV000667832.1), dbSNP rs11466028, ClinGen allele CA276897677.

ClinVar aggregate classification (germline): Benign (1 of 4 stars; one submission).

Submission:

GeneDx
Classification: Benign. Last evaluated: 2018-06-14. Review status: criteria provided, single submitter. Criteria: GeneDx Variant Classification (06012015). Collection method: clinical testing. Allele origin: germline. Affected: yes.
Comment: This variant is considered likely benign or benign based on one or more of the following criteria: it is a conservative change, it occurs at a poorly conserved position in the protein, it is predicted to be benign by multiple in silico algorithms, and/or has population frequency not consistent with disease.